The following is an entry in ClinVar:

NM_001376.5(DYNC1H1):c.1542T>C (p.Ala514=)

Gene: DYNC1H1 (dynein cytoplasmic 1 heavy chain 1; plus strand). Cytogenetic location: 14q32.31.
Variant type: single nucleotide variant.
Coding change: c.1542T>C on transcript NM_001376.5 (MANE Select); coding-DNA position 1542, T replaced by C.
Protein change: p.Ala514=; no amino-acid change (alanine 514 retained).
Molecular consequence: synonymous variant.
Genome position (GRCh38, 1-based): chr14:101,985,767, T>C. VCF-style: chr14-101985767-T-C. GRCh37 (hg19) VCF-style: chr14-102452104-T-C.
Identifiers: ClinVar variation 1115553 (VCV001115553.32), dbSNP rs1178479635, ClinGen allele CA488183100.
Genomic context (GRCh38, chr14:101,985,767, plus strand): 5'-GAATCAAGGAGAGGTCCCTGAACCCCAAGATATGAAAGTGGCTGAGGTTCTCTTTGATGC[T>C]GCAGATGCAAATGCCATTGAGGAAGTAAACCTTGCTTATGAGAACGTCAAGGAAGTGGAT-3'
Protein context (NP_001367.2, residues 504-524): DMKVAEVLFD[Ala514=]ADANAIEEVN

ClinVar aggregate classification (germline): Likely benign. Review status: criteria provided, multiple submitters, no conflicts (2 of 4 stars). 2 submissions from 2 submitters: Likely benign (2). Last evaluated 2023-11-27.

Conditions:
Charcot-Marie-Tooth disease axonal type 2O. Also called: Charcot-Marie-Tooth Neuropathy Type 2O; Charcot-Marie-Tooth disease, axonal, type 20; CHARCOT-MARIE-TOOTH NEUROPATHY, AXONAL, TYPE 2O; CHARCOT-MARIE-TOOTH DISEASE, AXONAL, AUTOSOMAL DOMINANT, TYPE 2O. Identifiers: Orphanet 284232, MedGen C3280220, MONDO:0013644, OMIM 614228.

Allele frequency attached by ClinVar (database versions not stated): gnomAD exomes below 0.00001 and 0.00001; TOPMed 0.00002.
gnomAD v4.1: 6 of 1,614,226 alleles (0.00037%); highest among the groups gnomAD compares: Non-Finnish European, 0.00051%; no homozygotes.

Submissions (2):

Labcorp Genetics (formerly Invitae), Labcorp
Classification: Likely benign for Charcot-Marie-Tooth disease axonal type 2O. Last evaluated: 2023-11-27. Review status: criteria provided, single submitter. Criteria: Invitae Variant Classification Sherloc (09022015). Collection method: clinical testing. Allele origin: germline.

CeGaT Center for Human Genetics Tuebingen
Classification: Likely benign. Last evaluated: 2022-08-01. Review status: criteria provided, single submitter. Criteria: CeGaT Center For Human Genetics Tuebingen Variant Classification Criteria Version 2. Collection method: clinical testing. Allele origin: germline. Affected: yes. Observed: 1 variant allele.
Comment: DYNC1H1: BP4, BP7